The following is an entry in ClinVar:

ClinVar aggregate classification (germline): Uncertain significance. Review status: criteria provided, multiple submitters, no conflicts (2 of 4 stars). 5 submissions from 5 submitters: Uncertain significance (5). Last evaluated 2025-01-18.

Conditions:
Sulfite oxidase deficiency due to molybdenum cofactor deficiency type B1 (MOCODB1). Also called: Sulfite oxidase deficiency due to molybdenum cofactor deficiency type B; Molybdenum cofactor deficiency B; MOLYBDENUM COFACTOR DEFICIENCY, TYPE B1; Molybdenum cofactor deficiency, complementation group B. Identifiers: Orphanet 308393, Orphanet 833, MedGen C6065887, MONDO:0009644, OMIM 252160.

Allele frequency attached by ClinVar (database versions not stated): TOPMed 0.00002; gnomAD 0.00004 and 0.00005; gnomAD exomes 0.00009 and 0.00010; ExAC 0.00010; 1000 Genomes Project 30x 0.00031; 1000 Genomes Project 0.00040.
gnomAD v4.1: 141 of 1,613,674 alleles (0.0087%); highest among the groups gnomAD compares: South Asian, 0.049%; no homozygotes.

Submissions (5):

Labcorp Genetics (formerly Invitae), Labcorp
Classification: Uncertain significance. Last evaluated: 2025-01-18. Review status: criteria provided, single submitter. Criteria: Invitae Variant Classification Sherloc (09022015). Collection method: clinical testing. Allele origin: germline.
Comment: This sequence change replaces valine, which is neutral and non-polar, with methionine, which is neutral and non-polar, at codon 139 of the MOCS2B protein (p.Val139Met). This variant is present in population databases (rs199581021, gnomAD 0.05%). This variant has not been reported in the literature in individuals affected with MOCS2B-related conditions. ClinVar contains an entry for this variant (Variation ID: 809757). An algorithm developed to predict the effect of missense changes on protein structure and function (PolyPhen-2) suggests that this variant is likely to be disruptive. In summary, the available evidence is currently insufficient to determine the role of this variant in disease. Therefore, it has been classified as a Variant of Uncertain Significance.

Blueprint Genetics
Classification: Uncertain significance. Last evaluated: 2024-11-19. Review status: criteria provided, single submitter. Criteria: ACMG Guidelines, 2015. Collection method: clinical testing. Allele origin: germline.

CeGaT Center for Human Genetics Tuebingen
Classification: Uncertain significance. Last evaluated: 2024-09-01. Review status: criteria provided, single submitter. Criteria: CeGaT Center For Human Genetics Tuebingen Variant Classification Criteria Version 2. Collection method: clinical testing. Allele origin: germline. Affected: yes. Observed: 2 variant alleles.
Comment: MOCS2: PM2, BP4

Fulgent Genetics
Classification: Uncertain significance for Sulfite oxidase deficiency due to molybdenum cofactor deficiency type B1. Last evaluated: 2024-05-14. Review status: criteria provided, single submitter. Criteria: ACMG Guidelines, 2015. Collection method: clinical testing. Allele origin: germline.

Illumina Laboratory Services, Illumina
Classification: Uncertain significance for Sulfite oxidase deficiency due to molybdenum cofactor deficiency type B1. Last evaluated: 2018-01-13. Review status: criteria provided, single submitter. Criteria: ICSL Variant Classification Criteria 13 December 2019. Collection method: clinical testing. Allele origin: germline.

NM_004531.5(MOCS2):c.415G>A (p.Val139Met)

Gene: MOCS2 (molybdenum cofactor synthesis 2; minus strand). Cytogenetic location: 5q11.2.
Variant type: single nucleotide variant.
Coding change: c.415G>A on transcript NM_004531.5 (MANE Select); coding-DNA position 415, G replaced by A.
Protein change: p.Val139Met; replaces valine 139 with methionine.
Molecular consequence: missense variant. On other transcripts: 3 prime UTR variant (1).
Genome position (GRCh38, 1-based): chr5:53,100,497, C>T on the plus strand (G>A on the coding strand, the complement: MOCS2 is on the minus strand). VCF-style: chr5-53100497-C-T. GRCh37 (hg19) VCF-style: chr5-52396327-C-T.
Other names: c.*335G>A (NM_176806.4); short protein forms V139M.
Identifiers: ClinVar variation 809757 (VCV000809757.51), dbSNP rs199581021, ClinGen allele CA3263619.